The following is an entry in ClinVar:

ClinVar aggregate classification (germline): Benign. Review status: criteria provided, multiple submitters, no conflicts (2 of 4 stars). 3 submissions from 3 submitters: Benign (2). 1 of the submissions does not count toward it. Last evaluated 2026-09-01.

Conditions:
SOX4-related disorder. Also called: SOX4-related condition.

Submissions (3):

CeGaT Center for Human Genetics Tuebingen
Classification: Benign. Last evaluated: 2026-09-01. Review status: criteria provided, single submitter. Criteria: CeGaT Center For Human Genetics Tuebingen Variant Classification Criteria Version 2. Collection method: clinical testing. Allele origin: germline. Affected: yes. Observed: 21 variant alleles.
Comment: SOX4: BS1, BS2

Labcorp Genetics (formerly Invitae), Labcorp
Classification: Benign. Last evaluated: 2019-12-31. Review status: criteria provided, single submitter. Criteria: Invitae Variant Classification Sherloc (09022015). Collection method: clinical testing. Allele origin: germline.

PreventionGenetics, part of Exact Sciences
Classification: Benign for SOX4-related condition. Last evaluated: 2019-11-19. Review status: no assertion criteria provided. Collection method: clinical testing. Allele origin: germline. Not counted in ClinVar's aggregate classification.
Comment: This variant is classified as benign based on ACMG/AMP sequence variant interpretation guidelines (Richards et al. 2015 PMID: 25741868, with internal and published modifications).

NM_003107.3(SOX4):c.1155CTC[2] (p.Ser392del)

Gene: SOX4 (SRY-box transcription factor 4; plus strand). Cytogenetic location: 6p22.3.
Variant type: Microsatellite.
Coding change: c.1155CTC[2] on transcript NM_003107.3 (MANE Select); two copies in a row of the 3-base unit CTC starting at c.1155; the reference has three copies in a row; one copy, 3 bases deleted; also written c.1161_1163del.
Protein change: p.Ser392del; deletes serine 392.
Molecular consequence: inframe deletion.
Genome position (GRCh38, 1-based): chr6:21,595,695-21,595,697, CTC deleted; deleting any 3 consecutive bases within chr6:21,595,689-21,595,697 gives the same sequence; the position shown is the placement nearest the transcript's 3' end. VCF-style (leftmost placement, unchanged base first): chr6-21595688-ACTC-A. GRCh37 (hg19) VCF-style: chr6-21595919-ACTC-A.
Other names: c.1161_1163del (NM_003107.2); short protein forms S392del.
Identifiers: ClinVar variation 786535 (VCV000786535.29), dbSNP rs568195185, ClinGen allele CA3653707.